The following is an entry in ClinVar:

NM_014780.5(CUL7):c.2803C>T (p.Leu935=)

Gene: CUL7 (cullin 7; minus strand). Cytogenetic location: 6p21.1.
Variant type: single nucleotide variant.
Coding change: c.2803C>T on transcript NM_014780.5 (MANE Select); coding-DNA position 2803, C replaced by T.
Protein change: p.Leu935=; no amino-acid change (leucine 935 retained).
Molecular consequence: synonymous variant.
Genome position (GRCh38, 1-based): chr6:43,045,646, G>A on the plus strand (C>T on the coding strand, the complement: CUL7 is on the minus strand). VCF-style: chr6-43045646-G-A. GRCh37 (hg19) VCF-style: chr6-43013384-G-A.
Other names: c.2899C>T, p.Leu967= (NM_001168370.2, NM_001374872.1); c.2803C>T, p.Leu935= (NM_001374873.1, NM_001374874.1).
Identifiers: ClinVar variation 356833 (VCV000356833.13), dbSNP rs146309619, ClinGen allele CA3813687.

ClinVar aggregate classification (germline): Benign. Review status: criteria provided, multiple submitters, no conflicts (2 of 4 stars). 2 submissions from 2 submitters: Benign (2). Last evaluated 2026-01-28.

Conditions:
3M syndrome 1. Also called: 3-M Syndrome, CUL7-Related. Identifiers: Orphanet 2616, MedGen C2678312, MONDO:0010117, OMIM 273750.

Allele frequency attached by ClinVar (database versions not stated): TOPMed 0.00056; gnomAD 0.00091 and 0.00126; gnomAD exomes 0.00140 and 0.00202; ExAC 0.00215; 1000 Genomes Project 30x 0.00453; 1000 Genomes Project 0.00519.

Submissions (2):

Labcorp Genetics (formerly Invitae), Labcorp
Classification: Benign. Last evaluated: 2026-01-28. Review status: criteria provided, single submitter. Criteria: Invitae Variant Classification Sherloc (09022015). Collection method: clinical testing. Allele origin: germline.

Illumina Laboratory Services, Illumina
Classification: Benign for 3M syndrome 1. Last evaluated: 2018-01-12. Review status: criteria provided, single submitter. Criteria: ICSL Variant Classification Criteria 13 December 2019. Collection method: clinical testing. Allele origin: germline.
Comment: This variant was observed in the ICSL laboratory as part of a predisposition screen in an ostensibly healthy population. It had not been previously curated by ICSL or reported in the Human Gene Mutation Database (HGMD: prior to June 1st, 2018), and was therefore a candidate for classification through an automated scoring system. Utilizing variant allele frequency, disease prevalence and penetrance estimates, and inheritance mode, an automated score was calculated to assess if this variant is too frequent to cause the disease. Based on the score and internal cut-off values, a variant classified as benign is not then subjected to further curation. The score for this variant resulted in a classification of benign for this disease.